The following is an entry in ClinVar:

ClinVar aggregate classification (germline): Uncertain significance. Review status: criteria provided, multiple submitters, no conflicts (2 of 4 stars). 2 submissions from 2 submitters: Uncertain significance (2). Last evaluated 2025-05-13.

Conditions:
RYR1-related disorder. Also called: RYR1-related condition; RYR1-related disorders. Identifiers: MedGen CN239331.

Allele frequency attached by ClinVar (database versions not stated): gnomAD exomes below 0.00001; gnomAD 0.00001; TOPMed 0.00002.
gnomAD v4.1: 2 of 1,613,824 alleles (0.00012%); highest among the groups gnomAD compares: East Asian, 0.0022%; no homozygotes.

Submissions (2):

Labcorp Genetics (formerly Invitae), Labcorp
Classification: Uncertain significance for RYR1-related disorder. Last evaluated: 2025-05-13. Review status: criteria provided, single submitter. Criteria: Invitae Variant Classification Sherloc (09022015). Collection method: clinical testing. Allele origin: germline.
Comment: This sequence change replaces valine, which is neutral and non-polar, with isoleucine, which is neutral and non-polar, at codon 598 of the RYR1 protein (p.Val598Ile). This variant is not present in population databases (gnomAD no frequency). This variant has not been reported in the literature in individuals affected with RYR1-related conditions. ClinVar contains an entry for this variant (Variation ID: 429411). An algorithm developed to predict the effect of missense changes on protein structure and function (PolyPhen-2) suggests that this variant is likely to be disruptive. In summary, the available evidence is currently insufficient to determine the role of this variant in disease. Therefore, it has been classified as a Variant of Uncertain Significance.

GeneDx
Classification: Uncertain significance. Last evaluated: 2017-05-02. Review status: criteria provided, single submitter. Criteria: GeneDx Variant Classification (06012015). Collection method: clinical testing. Allele origin: germline. Affected: yes.
Comment: The V598I variant has not been published as a pathogenic variant, nor has it been reported as a benign variant to our knowledge. The V598I variant is not observed in large population cohorts (Lek et al., 2016; 1000 Genomes Consortium et al., 2015; Exome Variant Server). This variant is a conservative amino acid substitution, which is not likely to impact secondary protein structure as these residues share similar properties. However, this substitution occurs at a position that is conserved across species, and in silico analysis is inconsistent in its predictions as to whether or not the variant is damaging to the protein structure/function.

NM_000540.3(RYR1):c.1792G>A (p.Val598Ile)

Gene: RYR1 (ryanodine receptor 1; plus strand). Cytogenetic location: 19q13.2.
Variant type: single nucleotide variant.
Coding change: c.1792G>A on transcript NM_000540.3 (MANE Select); coding-DNA position 1792, G replaced by A.
Protein change: p.Val598Ile; replaces valine 598 with isoleucine.
Molecular consequence: missense variant.
Genome position (GRCh38, 1-based): chr19:38,457,497, G>A. VCF-style: chr19-38457497-G-A. GRCh37 (hg19) VCF-style: chr19-38948137-G-A.
Other names: c.1792G>A, p.Val598Ile (NM_001042723.2); short protein forms V598I.
Identifiers: ClinVar variation 429411 (VCV000429411.3), dbSNP rs930876441, ClinGen allele CA308125132.